The following is an entry in ClinVar:

NM_004991.4(MECOM):c.2369A>G (p.Glu790Gly)

Gene: MECOM (MDS1 and EVI1 complex locus; minus strand). Cytogenetic location: 3q26.2.
Variant type: single nucleotide variant.
Coding change: c.2369A>G on transcript NM_004991.4 (MANE Select); coding-DNA position 2369, A replaced by G.
Protein change: p.Glu790Gly; replaces glutamic acid 790 with glycine.
Molecular consequence: missense variant.
Genome position (GRCh38, 1-based): chr3:169,115,503, T>C on the plus strand (A>G on the coding strand, the complement: MECOM is on the minus strand). VCF-style: chr3-169115503-T-C. GRCh37 (hg19) VCF-style: chr3-168833291-T-C.
Other names: c.2000A>G, p.Glu667Gly (NM_001105077.4); c.1805A>G, p.Glu602Gly (NM_001105078.4, NM_001164000.2, NM_001205194.2 and 4 more transcripts); c.1808A>G, p.Glu603Gly (NM_001163999.2, NM_001366467.2, NM_001366468.2 and 1 more transcripts); c.2369A>G, p.Glu790Gly (NM_001366466.2); c.1397A>G, p.Glu466Gly (NM_001366473.2); c.833A>G, p.Glu278Gly (NM_001366474.2); short protein forms E278G, E603G, E602G, E466G, E667G, E790G.
Identifiers: ClinVar variation 4053328 (VCV004053328.1).

ClinVar aggregate classification (germline): Uncertain significance (1 of 4 stars; one submission).

Conditions:
Inborn genetic diseases. Identifiers: MedGen C0950123, MeSH D030342.

Submission:

Ambry Genetics
Classification: Uncertain significance for Inborn genetic diseases. Last evaluated: 2025-06-08. Review status: criteria provided, single submitter. Criteria: Ambry Variant Classification Scheme 2023. Collection method: clinical testing. Allele origin: germline.
Comment: The p.E790G variant (also known as c.2369A>G), located in coding exon 8 of the MECOM gene, results from an A to G substitution at nucleotide position 2369. The glutamic acid at codon 790 is replaced by glycine, an amino acid with similar properties. This amino acid position is conserved. In addition, this alteration is predicted to be tolerated by in silico analysis. Based on the available evidence, the clinical significance of this variant remains unclear.